The following is an entry in ClinVar:

ClinVar aggregate classification (germline): Uncertain significance (1 of 4 stars; one submission).

Conditions:
Familial adenomatous polyposis 1 (FAP1). Also called: POLYPOSIS, ADENOMATOUS INTESTINAL; FAMILIAL ADENOMATOUS POLYPOSIS 1, ATTENUATED. Identifiers: MedGen C2713442, MONDO:0021056, OMIM 175100. Disease mechanism: loss of function.

Submission:

Labcorp Genetics (formerly Invitae), Labcorp
Classification: Uncertain significance for Familial adenomatous polyposis 1. Last evaluated: 2019-04-05. Review status: criteria provided, single submitter. Criteria: Invitae Variant Classification Sherloc (09022015). Collection method: clinical testing. Allele origin: germline.
Comment: This variant has not been reported in the literature in individuals with APC-related conditions. Algorithms developed to predict the effect of missense changes on protein structure and function are either unavailable or do not agree on the potential impact of this missense change (SIFT: "Deleterious"; PolyPhen-2: "Probably Damaging"; Align-GVGD: "Class C0"). In summary, the available evidence is currently insufficient to determine the role of this variant in disease. Therefore, it has been classified as a Variant of Uncertain Significance. This variant is not present in population databases (ExAC no frequency). This sequence change replaces lysine with arginine at codon 756 of the APC protein (p.Lys756Arg). The lysine residue is highly conserved and there is a small physicochemical difference between lysine and arginine.

NM_000038.6(APC):c.2267A>G (p.Lys756Arg)

Gene: APC (APC regulator of Wnt signaling pathway; plus strand). Cytogenetic location: 5q22.2.
Variant type: single nucleotide variant.
Coding change: c.2267A>G on transcript NM_000038.6 (MANE Select); coding-DNA position 2267, A replaced by G.
Protein change: p.Lys756Arg; replaces lysine 756 with arginine.
Molecular consequence: missense variant.
Genome position (GRCh38, 1-based): chr5:112,837,861, A>G. VCF-style: chr5-112837861-A-G. GRCh37 (hg19) VCF-style: chr5-112173558-A-G.
Other names: c.2297A>G, p.Lys766Arg (NM_001354897.2); c.2192A>G, p.Lys731Arg (NM_001354898.2); c.2183A>G, p.Lys728Arg (NM_001354899.2); c.2144A>G, p.Lys715Arg (NM_001354900.2); c.2090A>G, p.Lys697Arg (NM_001354901.2); c.1994A>G, p.Lys665Arg (NM_001354902.2); c.1964A>G, p.Lys655Arg (NM_001354903.2); c.1889A>G, p.Lys630Arg (NM_001354904.2); and 5 more; short protein forms K697R, K728R, K766R, K774R, K630R, K715R, K731R, K756R.
Identifiers: ClinVar variation 952604 (VCV000952604.11), dbSNP rs1765145385, ClinGen allele CA16026295.